The following is an entry in ClinVar:

ClinVar aggregate classification (germline): Conflicting classifications of pathogenicity. Review status: criteria provided, conflicting classifications (1 of 4 stars). 2 submissions from 2 submitters: Uncertain significance (1); Likely benign (1). Last evaluated 2025-09-24.

Conditions:
CCDC88C-related disorder. Also called: CCDC88C-Related Disorders; CCDC88C-related condition.

Allele frequency attached by ClinVar (database versions not stated): gnomAD exomes below 0.00001.
gnomAD v4.1: 2 of 1,613,948 alleles (0.00012%); highest among the groups gnomAD compares: East Asian, 0.0045%; 1 homozygote.

Submissions (2):

PreventionGenetics, part of Exact Sciences
Classification: Uncertain significance for CCDC88C-related condition. Last evaluated: 2025-09-24. Review status: criteria provided, single submitter. Criteria: ACMG Guidelines, 2015. Collection method: clinical testing. Allele origin: germline.
Comment: The CCDC88C c.3087G>T variant is not predicted to result in an amino acid change (p.=). This variant is predicted to possibly alter splicing by activating a cryptic donor splice site within the exon based on available splicing prediction programs (SpliceAI, Jaganathan et al. 2019. PubMed ID: 30661751). However, the use of computer prediction programs is not equivalent to functional evidence. To our knowledge, this variant has not been reported in the literature or in a large population database (gnomAD), indicating this variant is rare. At this time, the clinical significance of this variant is uncertain due to the absence of conclusive functional and genetic evidence.

Labcorp Genetics (formerly Invitae), Labcorp
Classification: Likely benign. Last evaluated: 2023-06-07. Review status: criteria provided, single submitter. Criteria: Invitae Variant Classification Sherloc (09022015). Collection method: clinical testing. Allele origin: germline.

NM_001080414.4(CCDC88C):c.3087G>T (p.Gly1029=)

Gene: CCDC88C (coiled-coil and HOOK domain protein 88C; minus strand). Cytogenetic location: 14q32.11.
Variant type: single nucleotide variant.
Coding change: c.3087G>T on transcript NM_001080414.4 (MANE Select); coding-DNA position 3087, G replaced by T.
Protein change: p.Gly1029=; no amino-acid change (glycine 1029 retained).
Molecular consequence: synonymous variant.
Genome position (GRCh38, 1-based): chr14:91,307,146, C>A on the plus strand (G>T on the coding strand, the complement: CCDC88C is on the minus strand). VCF-style: chr14-91307146-C-A. GRCh37 (hg19) VCF-style: chr14-91773490-C-A.
Other names: c.3087G>T (NM_001080414.3).
Identifiers: ClinVar variation 2804225 (VCV002804225.4), dbSNP rs1891590849, ClinGen allele CA487549416.